The following is an entry in ClinVar:

NM_003823.4(TNFRSF6B):c.64C>T (p.Leu22=)

Genes: RTEL1-TNFRSF6B (RTEL1-TNFRSF6B readthrough (NMD candidate); plus strand), TNFRSF6B (TNF receptor superfamily member 6b; plus strand). Cytogenetic location: 20q13.33.
Variant type: single nucleotide variant.
Coding change: c.64C>T on transcript NM_003823.4 (MANE Select); coding-DNA position 64, C replaced by T.
Protein change: p.Leu22=; no amino-acid change (leucine 22 retained).
Molecular consequence: synonymous variant. On other transcripts: non-coding transcript variant (1).
Genome position (GRCh38, 1-based): chr20:63,696,831, C>T. VCF-style: chr20-63696831-C-T. GRCh37 (hg19) VCF-style: chr20-62328184-C-T.
Identifiers: ClinVar variation 4985961 (VCV004985961.1).
Genomic context (GRCh38, chr20:63,696,831, plus strand): 5'-AGGGCGCTGGAGGGGCCAGGCCTGTCGCTGCTGTGCCTGGTGTTGGCGCTGCCTGCCCTG[C>T]TGCCGGTGCCGGCTGTACGCGGAGTGGCAGAAACACCCACCTACCCCTGGCGGGACGCAG-3'
Protein context (NP_003814.1, residues 12-32): LCLVLALPAL[Leu22=]PVPAVRGVAE

ClinVar aggregate classification (germline): Likely benign (1 of 4 stars; one submission).

Conditions:
TNFRSF6B-related disorder. Also called: TNFRSF6B-related condition.

gnomAD v4.1: 6 of 1,610,550 alleles (0.00037%); highest among the groups gnomAD compares: Non-Finnish European, 0.00051%; no homozygotes.

Submission:

PreventionGenetics, part of Exact Sciences
Classification: Likely benign for TNFRSF6B-related condition. Last evaluated: 2025-05-03. Review status: criteria provided, single submitter. Criteria: ACMG Guidelines, 2015. Collection method: clinical testing. Allele origin: germline.
Comment: This variant is classified as likely benign based on ACMG/AMP sequence variant interpretation guidelines (Richards et al. 2015 PMID: 25741868, with internal and published modifications).